The following is an entry in ClinVar:

ClinVar aggregate classification (germline): Uncertain significance (1 of 4 stars; one submission).

Submission:

CeGaT Center for Human Genetics Tuebingen
Classification: Uncertain significance. Last evaluated: 2026-03-01. Review status: criteria provided, single submitter. Criteria: CeGaT Center For Human Genetics Tuebingen Variant Classification Criteria Version 2. Collection method: clinical testing. Allele origin: germline. Affected: yes. Observed: 1 variant allele.
Comment: MYH11: PM2, PP3

NM_002474.3(MYH11):c.4642C>A (p.Leu1548Met)

Genes: MYH11 (myosin heavy chain 11; minus strand), NDE1 (nudE neurodevelopment protein 1; plus strand). Cytogenetic location: 16p13.11.
Variant type: single nucleotide variant.
Coding change: c.4642C>A on transcript NM_002474.3 (MANE Select); coding-DNA position 4642, C replaced by A.
Protein change: p.Leu1548Met; replaces leucine 1548 with methionine.
Molecular consequence: missense variant. On other transcripts: intron variant (2).
Genome position (GRCh38, 1-based): chr16:15,720,988, G>T on the plus strand (C>A on the coding strand, the complement: MYH11 is on the minus strand). VCF-style: chr16-15720988-G-T. GRCh37 (hg19) VCF-style: chr16-15814845-G-T.
Other names: c.4663C>A, p.Leu1555Met (NM_001040113.2, NM_001040114.2); c.4642C>A, p.Leu1548Met (NM_022844.3); c.948-3203G>T (NM_001143979.2, NM_017668.3); short protein forms L1548M, L1555M.
Identifiers: ClinVar variation 4823512 (VCV004823512.4).
Genomic context (GRCh38, chr16:15,720,988, plus strand): 5'-TGACTTCCAGCCGCAGTTTGGCGTCCTCCGTGGCTTGCAGCTCGTCCTCCAGCTCTTCCA[G>T]CTGCGTCTTCATCTCCTCCATCTGGGTCTCCAGGGCCCGCTTGGACTTCTCCAGCTCATG-3'
Protein context (NP_002465.1, residues 1538-1558): ETQMEEMKTQ[Leu1548Met]EELEDELQAT